The following is an entry in ClinVar:

NM_001261826.3(AP3D1):c.1738A>G (p.Lys580Glu)

Gene: AP3D1 (adaptor related protein complex 3 subunit delta 1; minus strand). Cytogenetic location: 19p13.3.
Variant type: single nucleotide variant.
Coding change: c.1738A>G on transcript NM_001261826.3 (MANE Select); coding-DNA position 1738, A replaced by G.
Protein change: p.Lys580Glu; replaces lysine 580 with glutamic acid.
Molecular consequence: missense variant.
Genome position (GRCh38, 1-based): chr19:2,117,343, T>C on the plus strand (A>G on the coding strand, the complement: AP3D1 is on the minus strand). VCF-style: chr19-2117343-T-C. GRCh37 (hg19) VCF-style: chr19-2117342-T-C.
Other names: p.Lys580Glu; c.1738A>G, p.Lys580Glu (NM_001374799.1, NM_003938.8); short protein forms K580E.
Identifiers: ClinVar variation 3380554 (VCV003380554.1).

ClinVar aggregate classification (germline): Uncertain significance (1 of 4 stars; one submission).

Submission:

Mayo Clinic Laboratories, Mayo Clinic
Classification: Uncertain significance. Last evaluated: 2024-06-03. Review status: criteria provided, single submitter. Criteria: ACMG Guidelines, 2015. Collection method: clinical testing. Allele origin: germline. Observed: 1 variant allele.
Comment: BP4, PM1_supporting, PM2_moderate